The following is an entry in ClinVar:

ClinVar aggregate classification (germline): Conflicting classifications of pathogenicity. Review status: criteria provided, conflicting classifications (1 of 4 stars). 2 submissions from 2 submitters: Uncertain significance (1); Likely benign (1). Last evaluated 2023-03-23.

Conditions:
Hereditary cancer-predisposing syndrome. Also called: Neoplastic Syndromes, Hereditary; Hereditary Cancer Syndrome; Hereditary neoplastic syndrome; Tumor predisposition. Identifiers: Orphanet 140162, MedGen C0027672, MeSH D009386, MONDO:0015356.
Hereditary breast ovarian cancer syndrome. Also called: Hereditary breast and/or ovarian cancer syndrome; Breast and ovarian cancer; BRCA1- and BRCA2-Associated Hereditary Breast and Ovarian Cancer; Hereditary breast and ovarian cancer syndrome; Hereditary breast and ovarian cancer syndrome (HBOC); Hereditary breast and ovarian cancer. Identifiers: Orphanet 145, MedGen C0677776, MeSH D061325, MONDO:0003582. Disease mechanism: loss of function.

Submissions (2):

University of Washington Department of Laboratory Medicine, University of Washington
Classification: Likely benign for Hereditary cancer-predisposing syndrome. Last evaluated: 2023-03-23. Review status: criteria provided, single submitter. Criteria: Dines et al. (Genet Med. 2020). Collection method: curation. Allele origin: germline.
Comment: Missense variant in a coldspot region where missense variants are very unlikely to be pathogenic (PMID:31911673).

BRCA1 coldspot (exon 11 using historical exon numbering). Reclassification based on statistical prior probability

Labcorp Genetics (formerly Invitae), Labcorp
Classification: Uncertain significance for Hereditary breast ovarian cancer syndrome. Last evaluated: 2020-03-05. Review status: criteria provided, single submitter. Criteria: Invitae Variant Classification Sherloc (09022015). Collection method: clinical testing. Allele origin: germline.
Comment: This sequence change replaces leucine with isoleucine at codon 791 of the BRCA1 protein (p.Leu791Ile). The leucine residue is weakly conserved and there is a small physicochemical difference between leucine and isoleucine. In summary, the available evidence is currently insufficient to determine the role of this variant in disease. Therefore, it has been classified as a Variant of Uncertain Significance. Algorithms developed to predict the effect of missense changes on protein structure and function are either unavailable or do not agree on the potential impact of this missense change (SIFT: "Tolerated"; PolyPhen-2: "Possibly Damaging"; Align-GVGD: "Class C0"). This variant has not been reported in the literature in individuals with BRCA1-related conditions. This variant is not present in population databases (ExAC no frequency).

NM_007294.4(BRCA1):c.2371C>A (p.Leu791Ile)

Gene: BRCA1 (BRCA1 DNA repair associated; minus strand). Cytogenetic location: 17q21.31.
Variant type: single nucleotide variant.
Coding change: c.2371C>A on transcript NM_007294.4 (MANE Select); coding-DNA position 2371, C replaced by A.
Protein change: p.Leu791Ile; replaces leucine 791 with isoleucine.
Molecular consequence: missense variant. On other transcripts: intron variant (137).
Genome position (GRCh38, 1-based): chr17:43,093,160, G>T on the plus strand (C>A on the coding strand, the complement: BRCA1 is on the minus strand). VCF-style: chr17-43093160-G-T. GRCh37 (hg19) VCF-style: chr17-41245177-G-T.
Other names: c.2293C>A, p.Leu765Ile (NM_001407657.1, NM_001407658.1, NM_001407663.1 and 4 more transcripts); c.2290C>A, p.Leu764Ile (NM_001407659.1, NM_001407660.1, NM_001407661.1 and 1 more transcripts); c.2248C>A, p.Leu750Ile (NM_001407664.1, NM_001407665.1, NM_001407666.1 and 19 more transcripts); c.2245C>A, p.Leu749Ile (NM_001407670.1, NM_001407685.1, NM_001407686.1 and 11 more transcripts); c.2371C>A, p.Leu791Ile (NM_001407684.1, NM_007300.4, NM_001407581.1 and 30 more transcripts); c.2161C>A, p.Leu721Ile (NM_001407886.1, NM_001407887.1, NM_001407889.1 and 13 more transcripts); c.2158C>A, p.Leu720Ile (NM_001407894.1, NM_001407895.1, NM_001407896.1 and 9 more transcripts); c.2107C>A, p.Leu703Ile (NM_001407920.1, NM_001407921.1, NM_001407922.1 and 9 more transcripts); and 41 more; short protein forms L744I, L791I, L721I, L749I, L750I, L495I, L664I, L680I.
Identifiers: ClinVar variation 1061168 (VCV001061168.12), dbSNP rs1567795916, ClinGen allele CA10597267.